The following is an entry in ClinVar:

ClinVar aggregate classification (germline): Likely benign. Review status: criteria provided, multiple submitters, no conflicts (2 of 4 stars). 2 submissions from 2 submitters: Likely benign (2). Last evaluated 2018-06-19.

Allele frequency attached by ClinVar (database versions not stated): ExAC 0.00266; gnomAD exomes 0.00276 and 0.00452; gnomAD 0.01515 and 0.01606; TOPMed 0.01726; 1000 Genomes Project 0.01801; 1000 Genomes Project 30x 0.01894.
gnomAD v4.1: 3,752 of 809,967 alleles (0.46%); highest among the groups gnomAD compares: African/African-American, 4.9%; 46 homozygotes.

Submissions (2):

GeneDx
Classification: Likely benign. Last evaluated: 2018-06-19. Review status: criteria provided, single submitter. Criteria: GeneDx Variant Classification (06012015). Collection method: clinical testing. Allele origin: germline. Affected: yes.
Comment: This variant is considered likely benign or benign based on one or more of the following criteria: it is a conservative change, it occurs at a poorly conserved position in the protein, it is predicted to be benign by multiple in silico algorithms, and/or has population frequency not consistent with disease.

Breakthrough Genomics
Classification: Likely benign. Review status: criteria provided, single submitter. Criteria: ACMG Guidelines, 2015. Collection method: not provided. Allele origin: germline. Inheritance: X-linked inheritance. Affected: yes.

NM_005032.7(PLS3):c.73+621C>A

Gene: PLS3 (plastin 3; plus strand). Cytogenetic location: Xq23.
Variant type: single nucleotide variant.
Coding change: c.73+621C>A on transcript NM_005032.7 (MANE Select); 621 bases into the intron after coding-DNA position 73, C replaced by A.
Molecular consequence: intron variant.
Genome position (GRCh38, 1-based): chrX:115,610,944, C>A. VCF-style: chrX-115610944-C-A. GRCh37 (hg19) VCF-style: chrX-114845256-C-A.
Other names: c.7+23C>A (NM_001282337.2); c.-445+621C>A (NM_001282338.2); c.73+621C>A (NM_001136025.5, NM_001172335.3).
Identifiers: ClinVar variation 676714 (VCV000676714.2), dbSNP rs5987754, ClinGen allele CA10496823.
Genomic context (GRCh38, chrX:115,610,944, plus strand): 5'-ATCATATAACATGCCTTACAATTGAGCAGCTATGGAAGGTAAATATGGAGTATTTACATT[C>A]CAAATTTTAGTGCTTGGGTCAAGTCTATAGACAATAATGAGAAAACAGGGTGAGAACAGC-3'